The following is an entry in ClinVar:

NM_000046.5(ARSB):c.271T>C (p.Cys91Arg)

Genes: ARSB (arylsulfatase B; minus strand), LOC129994126 (ATAC-STARR-seq lymphoblastoid silent region 16127; plus strand). Cytogenetic location: 5q14.1.
Variant type: single nucleotide variant.
Coding change: c.271T>C on transcript NM_000046.5 (MANE Select); coding-DNA position 271, T replaced by C.
Protein change: p.Cys91Arg; replaces cysteine 91 with arginine.
Molecular consequence: missense variant.
Genome position (GRCh38, 1-based): chr5:78,984,978, A>G on the plus strand (T>C on the coding strand, the complement: ARSB is on the minus strand). VCF-style: chr5-78984978-A-G. GRCh37 (hg19) VCF-style: chr5-78280801-A-G.
Other names: c.271T>C, p.Cys91Arg (NM_198709.3); short protein forms C91R.
Identifiers: ClinVar variation 559756 (VCV000559756.1), dbSNP rs1554032113, ClinGen allele CA360196461.

ClinVar aggregate classification (germline): Uncertain significance (1 of 4 stars; one submission).

Conditions:
Mucopolysaccharidosis type 6 (MPS6). Also called: N-ACETYLGALACTOSAMINE-4-SULFATASE DEFICIENCY; MPS VI; MPS 6; Maroteaux Lamy syndrome; ARSB DEFICIENCY; ARYLSULFATASE B DEFICIENCY. Identifiers: Orphanet 583, MedGen C0026709, MONDO:0009661, OMIM 253200.

Submission:

Laboratory of Diagnosis and Therapy of Lysosomal Disorders, University of Padova
Classification: Uncertain significance for Mucopolysaccharidosis type 6. Last evaluated: 2018-01-01. Review status: criteria provided, single submitter. Criteria: ACMG Guidelines, 2015. Collection method: curation. Allele origin: germline. Affected: yes.
Comment: Located in a well-established functional domain (PM1); Absent from GnomAD (PM2)

Literature cited by the submitters: PubMed 26937411; PubMed 30118150.